The following is an entry in ClinVar:

NM_004415.4(DSP):c.4173C>T (p.Tyr1391=)

Gene: DSP (desmoplakin; plus strand). Cytogenetic location: 6p24.3.
Variant type: single nucleotide variant.
Coding change: c.4173C>T on transcript NM_004415.4 (MANE Select); coding-DNA position 4173, C replaced by T.
Protein change: p.Tyr1391=; no amino-acid change (tyrosine 1391 retained).
Molecular consequence: synonymous variant. On other transcripts: intron variant (2).
Genome position (GRCh38, 1-based): chr6:7,580,363, C>T. VCF-style: chr6-7580363-C-T. GRCh37 (hg19) VCF-style: chr6-7580596-C-T.
Other names: c.4173C>T (LRG_423t1, NM_004415.3); c.4050+123C>T (NM_001319034.2); c.3582+591C>T (NM_001008844.3).
Identifiers: ClinVar variation 246665 (VCV000246665.31), dbSNP rs75537269, ClinGen allele CA040359.

ClinVar aggregate classification (germline): Likely benign. Review status: criteria provided, multiple submitters, no conflicts (2 of 4 stars). 6 submissions from 6 submitters: Likely benign (6). Last evaluated 2026-07-24.

Conditions:
DSP-related disorder. Also called: DSP-related condition; DSP-related disorders.
Cardiovascular phenotype. Identifiers: MedGen CN230736.
Arrhythmogenic right ventricular dysplasia 8 (ARVD8). Also called: ARRHYTHMOGENIC RIGHT VENTRICULAR DYSPLASIA, FAMILIAL, 8; Arrhythmogenic Right Ventricular Dysplasia/Cardiomyopathy 8; ARRHYTHMOGENIC RIGHT VENTRICULAR CARDIOMYOPATHY 8. Identifiers: MedGen C1843896, MONDO:0011831, OMIM 607450.
Arrhythmogenic cardiomyopathy with wooly hair and keratoderma. Also called: Arrhythmogenic cardiomyopathy with woolly hair and keratoderma; PALMOPLANTAR KERATODERMA WITH LEFT VENTRICULAR CARDIOMYOPATHY AND WOOLLY HAIR; Carvajal syndrome; Dilated cardiomyopathy with woolly hair and keratoderma. Identifiers: Orphanet 65282, MedGen C1854063, MONDO:0011581, OMIM 605676.
Cardiomyopathy (CMYO). Also called: Cardiomyopathies. Identifiers: Orphanet 167848, MedGen C0878544, MONDO:0004994, HP:0001638. Inheritance: Various modes of inheritance.

Allele frequency attached by ClinVar (database versions not stated): gnomAD 0.00001; TOPMed 0.00003; gnomAD exomes 0.00006.

Submissions (6):

PreventionGenetics, part of Exact Sciences
Classification: Likely benign for DSP-related condition. Last evaluated: 2026-07-24. Review status: criteria provided, single submitter. Criteria: ACMG Guidelines, 2015. Collection method: clinical testing. Allele origin: germline.
Comment: This variant is classified as likely benign based on ACMG/AMP sequence variant interpretation guidelines (Richards et al. 2015 PMID: 25741868, with internal and published modifications).

Labcorp Genetics (formerly Invitae), Labcorp
Classification: Likely benign for Arrhythmogenic cardiomyopathy with wooly hair and keratoderma; Arrhythmogenic right ventricular dysplasia 8. Last evaluated: 2025-10-15. Review status: criteria provided, single submitter. Criteria: Invitae Variant Classification Sherloc (09022015). Collection method: clinical testing. Allele origin: germline.

CeGaT Center for Human Genetics Tuebingen
Classification: Likely benign. Last evaluated: 2025-06-01. Review status: criteria provided, single submitter. Criteria: CeGaT Center For Human Genetics Tuebingen Variant Classification Criteria Version 2. Collection method: clinical testing. Allele origin: germline. Affected: yes. Observed: 1 variant allele.
Comment: DSP: BP4

Color Diagnostics, LLC DBA Color Health
Classification: Likely benign for Cardiomyopathy. Last evaluated: 2019-02-09. Review status: criteria provided, single submitter. Criteria: ACMG Guidelines, 2015. Collection method: clinical testing. Allele origin: germline.

GeneDx
Classification: Likely benign. Last evaluated: 2018-08-15. Review status: criteria provided, single submitter. Criteria: GeneDx Variant Classification Process June 2021. Collection method: clinical testing. Allele origin: germline. Affected: yes.

Ambry Genetics
Classification: Likely benign for Cardiovascular phenotype. Last evaluated: 2017-01-05. Review status: criteria provided, single submitter. Criteria: Ambry Variant Classification Scheme 2023. Collection method: clinical testing. Allele origin: germline.